The following is an entry in ClinVar:

NM_001127898.4(CLCN5):c.554A>G (p.Lys185Arg)

Gene: CLCN5 (Cl-/H+ antiporter 5; plus strand). Cytogenetic location: Xp11.23.
Variant type: single nucleotide variant.
Coding change: c.554A>G on transcript NM_001127898.4 (MANE Select); coding-DNA position 554, A replaced by G.
Protein change: p.Lys185Arg; replaces lysine 185 with arginine.
Molecular consequence: missense variant.
Genome position (GRCh38, 1-based): chrX:50,075,933, A>G. VCF-style: chrX-50075933-A-G. GRCh37 (hg19) VCF-style: chrX-49840588-A-G.
Other names: c.344A>G (NM_000084.4, NM_000084.2); c.344A>G, p.Lys115Arg (NM_000084.5); c.554A>G, p.Lys185Arg (NM_001127899.4); c.404A>G, p.Lys135Arg (NM_001282163.2); short protein forms K115R, K185R, K135R.
Identifiers: ClinVar variation 913213 (VCV000913213.17), dbSNP rs55676763, ClinGen allele CA10413745.

ClinVar aggregate classification (germline): Conflicting classifications of pathogenicity. Review status: criteria provided, conflicting classifications (1 of 4 stars). 6 submissions from 6 submitters: Uncertain significance (1); Benign (1); Likely benign (3). 1 of the submissions does not count toward it. Last evaluated 2026-02-04.

Conditions:
Inborn genetic diseases. Identifiers: MedGen C0950123, MeSH D030342.
Dent disease type 1 (DENT1). Also called: NEPHROLITHIASIS 2; NEPHROLITHIASIS, HYPERCALCIURIC, X-LINKED. Identifiers: Orphanet 1652, Orphanet 93622, MedGen C1848336, MONDO:0010225, OMIM 300009.
CLCN5-related disorder. Also called: CLCN5-related condition.

Allele frequency attached by ClinVar (database versions not stated): gnomAD exomes 0.00036 and 0.00067; ExAC 0.00037; TOPMed 0.00049; gnomAD 0.00051 and 0.00052; ESP Exome Variant Server 0.00151.
gnomAD v4.1: 791 of 1,210,239 alleles (0.065%); highest among the groups gnomAD compares: Non-Finnish European, 0.083%; no homozygotes.

Submissions (6):

Labcorp Genetics (formerly Invitae), Labcorp
Classification: Likely benign. Last evaluated: 2026-02-04. Review status: criteria provided, single submitter. Criteria: Invitae Variant Classification Sherloc (09022015). Collection method: clinical testing. Allele origin: germline.

Women's Health and Genetics/Laboratory Corporation of America, LabCorp
Classification: Likely benign. Last evaluated: 2025-02-05. Review status: criteria provided, single submitter. Criteria: LabCorp Variant Classification Summary - May 2015. Collection method: clinical testing. Allele origin: germline.
Comment: Variant summary: CLCN5 c.344A>G (p.Lys115Arg) results in a conservative amino acid change in the encoded protein sequence. Three of five in-silico tools predict a benign effect of the variant on protein function. The variant allele was found at a frequency of 0.00065 in 1210239 control chromosomes including 266 hemizygotes, predominantly at a frequency of 0.00083 within the Non-Finnish European subpopulation in the gnomAD database. Frequency within the Non-Finnish European subpopulation is similar to the frequency estimated for a pathogenic variant in CLCN5 causing Dent Disease ( 0.00083 vs 0.00087), suggesting a benign role for this variant. To our knowledge, no occurrence of c.344A>G in individuals affected with Dent Disease and no experimental evidence demonstrating its impact on protein function have been reported. ClinVar contains an entry for this variant (Variation ID: 913213). Based on the evidence outlined above, the variant was classified as likely benign.

Blueprint Genetics
Classification: Likely benign. Last evaluated: 2024-06-17. Review status: criteria provided, single submitter. Criteria: ACMG Guidelines, 2015. Collection method: clinical testing. Allele origin: germline.

Ambry Genetics
Classification: Uncertain significance for Inborn genetic diseases. Last evaluated: 2022-02-24. Review status: criteria provided, single submitter. Criteria: Ambry Variant Classification Scheme 2023. Collection method: clinical testing. Allele origin: germline.

Illumina Laboratory Services, Illumina
Classification: Benign for Dent disease type 1. Last evaluated: 2018-01-13. Review status: criteria provided, single submitter. Criteria: ICSL Variant Classification Criteria 13 December 2019. Collection method: clinical testing. Allele origin: germline.
Comment: This variant was observed in the ICSL laboratory as part of a predisposition screen in an ostensibly healthy population. It had not been previously curated by ICSL or reported in the Human Gene Mutation Database (HGMD: prior to June 1st, 2018), and was therefore a candidate for classification through an automated scoring system. Utilizing variant allele frequency, disease prevalence and penetrance estimates, and inheritance mode, an automated score was calculated to assess if this variant is too frequent to cause the disease. Based on the score and internal cut-off values, a variant classified as benign is not then subjected to further curation. The score for this variant resulted in a classification of benign for this disease.

PreventionGenetics, part of Exact Sciences
Classification: Likely benign for CLCN5-related condition. Last evaluated: 2021-09-20. Review status: no assertion criteria provided. Collection method: clinical testing. Allele origin: germline. Not counted in ClinVar's aggregate classification.
Comment: This variant is classified as likely benign based on ACMG/AMP sequence variant interpretation guidelines (Richards et al. 2015 PMID: 25741868, with internal and published modifications).